The following is an entry in ClinVar:

NM_001290043.2(TAP2):c.736A>G (p.Thr246Ala)

Genes: TAP2 (transporter 2, ATP binding cassette subfamily B member; minus strand), LOC107648851 (meiotic recombination hotspot TAP2; plus strand). Cytogenetic location: 6p21.32.
Variant type: single nucleotide variant.
Coding change: c.736A>G on transcript NM_001290043.2 (MANE Select); coding-DNA position 736, A replaced by G.
Protein change: p.Thr246Ala; replaces threonine 246 with alanine.
Molecular consequence: missense variant.
Genome position (GRCh38, 1-based): chr6:32,835,646, T>C on the plus strand (A>G on the coding strand, the complement: TAP2 is on the minus strand). VCF-style: chr6-32835646-T-C. GRCh37 (hg19) VCF-style: chr6-32803423-T-C.
Other names: c.736A>G, p.Thr246Ala (NM_000544.3, NM_018833.3); short protein forms T246A.
Identifiers: ClinVar variation 1998691 (VCV001998691.4), dbSNP rs571768938, ClinGen allele CA137003356.
Genomic context (GRCh38, chr6:32,835,646, plus strand): 5'-GTCACTGAGGGGCAAGGGATGTCCATGGGAATCTCAGACCTGGACTCCAGGCCCCACCTG[T>C]CTTAGTCTCCTGGAAGAAACCGAGGTCCTGGCGCAGCAGGGAGGAGAAAAGCTGCTCCCG-3'
Protein context (NP_001276972.1, residues 236-256): QDLGFFQETK[Thr246Ala]GELNSRLSSD

ClinVar aggregate classification (germline): Uncertain significance (1 of 4 stars; one submission).

Conditions:
MHC class I deficiency. Identifiers: Orphanet 34592, MedGen C6024714, MONDO:0011476.

Allele frequency attached by ClinVar (database versions not stated): gnomAD 0.00001; TOPMed 0.00001; 1000 Genomes Project 0.00020; 1000 Genomes Project 30x 0.00031.
gnomAD v4.1: 3 of 1,613,000 alleles (0.00019%); highest among the groups gnomAD compares: African/African-American, 0.0013%; no homozygotes.

Submission:

Labcorp Genetics (formerly Invitae), Labcorp
Classification: Uncertain significance for MHC class I deficiency 1. Last evaluated: 2022-07-14. Review status: criteria provided, single submitter. Criteria: Invitae Variant Classification Sherloc (09022015). Collection method: clinical testing. Allele origin: germline.
Comment: This sequence change replaces threonine, which is neutral and polar, with alanine, which is neutral and non-polar, at codon 246 of the TAP2 protein (p.Thr246Ala). This variant is not present in population databases (gnomAD no frequency). This variant has not been reported in the literature in individuals affected with TAP2-related conditions. Algorithms developed to predict the effect of missense changes on protein structure and function are either unavailable or do not agree on the potential impact of this missense change (SIFT: "Deleterious"; PolyPhen-2: "Not Available"; Align-GVGD: "Class C0"). Algorithms developed to predict the effect of sequence changes on RNA splicing suggest that this variant may create or strengthen a splice site. In summary, the available evidence is currently insufficient to determine the role of this variant in disease. Therefore, it has been classified as a Variant of Uncertain Significance.